The following is an entry in ClinVar:

ClinVar aggregate classification (germline): Conflicting classifications of pathogenicity. Review status: criteria provided, conflicting classifications (1 of 4 stars). 3 submissions from 3 submitters: Uncertain significance (2); Likely benign (1). Last evaluated 2025-09-10.

Conditions:
Inborn genetic diseases. Identifiers: MedGen C0950123, MeSH D030342.
Curry-Hall syndrome (WAD). Also called: WEYERS ACRODENTAL DYSOSTOSIS. Identifiers: Orphanet 952, MedGen C0457013, MONDO:0008673, OMIM 193530.
Ellis-van Creveld syndrome (EVC). Also called: Chondroectodermal dysplasia; MESOECTODERMAL DYSPLASIA; EVC-Related Ellis-van Creveld Syndrome; EVC2-Related Ellis-van Creveld Syndrome. Identifiers: Orphanet 289, MedGen C0013903, MONDO:0009162, OMIM 225500.

Allele frequency attached by ClinVar (database versions not stated): gnomAD exomes 0.00001; ExAC 0.00005; ESP Exome Variant Server 0.00015; TOPMed 0.00016; gnomAD 0.00017; 1000 Genomes Project 30x 0.00078; 1000 Genomes Project 0.00080.
gnomAD v4.1: 40 of 1,613,016 alleles (0.0025%); highest among the groups gnomAD compares: African/African-American, 0.049%; no homozygotes.

Submissions (3):

Ambry Genetics
Classification: Uncertain significance for Inborn genetic diseases. Last evaluated: 2025-09-10. Review status: criteria provided, single submitter. Criteria: Ambry Variant Classification Scheme 2023. Collection method: clinical testing. Allele origin: germline.

Women's Health and Genetics/Laboratory Corporation of America, LabCorp
Classification: Uncertain significance. Last evaluated: 2025-02-04. Review status: criteria provided, single submitter. Criteria: LabCorp Variant Classification Summary - May 2015. Collection method: clinical testing. Allele origin: germline.
Comment: Variant summary: EVC c.1495C>G (p.Leu499Val) results in a conservative amino acid change in the encoded protein sequence. Five of five in-silico tools predict a benign effect of the variant on protein function. The variant allele was found at a frequency of 5.2e-05 in 248718 control chromosomes. This frequency is not significantly higher than estimated for a pathogenic variant in EVC causing Ellis-van Creveld syndrome, allowing no conclusion about variant significance. To our knowledge, no occurrence of c.1495C>G in individuals affected with Ellis-van Creveld syndrome and no experimental evidence demonstrating its impact on protein function have been reported. ClinVar contains an entry for this variant (Variation ID: 2065771). Based on the evidence outlined above, the variant was classified as uncertain significance.

Labcorp Genetics (formerly Invitae), Labcorp
Classification: Likely benign for Curry-Hall syndrome; Ellis-van Creveld syndrome. Last evaluated: 2025-02-03. Review status: criteria provided, single submitter. Criteria: Invitae Variant Classification Sherloc (09022015). Collection method: clinical testing. Allele origin: germline.

NM_153717.3(EVC):c.1495C>G (p.Leu499Val)

Gene: EVC (EvC ciliary complex subunit 1; plus strand). Cytogenetic location: 4p16.2.
Variant type: single nucleotide variant.
Coding change: c.1495C>G on transcript NM_153717.3 (MANE Select); coding-DNA position 1495, C replaced by G.
Protein change: p.Leu499Val; replaces leucine 499 with valine.
Molecular consequence: missense variant.
Genome position (GRCh38, 1-based): chr4:5,756,294, C>G. VCF-style: chr4-5756294-C-G. GRCh37 (hg19) VCF-style: chr4-5758021-C-G.
Other names: c.1495C>G (NM_153717.2); c.1495C>G, p.Leu499Val (NM_001306090.2, NM_001306092.2); short protein forms L499V.
Identifiers: ClinVar variation 2065771 (VCV002065771.5), dbSNP rs139157869, ClinGen allele CA2836141.
Genomic context (GRCh38, chr4:5,756,294, plus strand): 5'-TACCAGACTCAGCTCTTGTTTTCCTCACAGGCTTTTCATGAGGTCCTGGAGAGGCAGAGG[C>G]TGATGCAGTGTGACCTGGAGGAAGAGGAGAATGTCAGAGCCACCGAGGCTGTGGTTGCAC-3'
Protein context (NP_714928.1, residues 489-509): AFHEVLERQR[Leu499Val]MQCDLEEEEN